The following is an entry in ClinVar:

NM_014000.3(VCL):c.32G>A (p.Ser11Asn)

Genes: VCL (vinculin; plus strand), LOC130004109 (ATAC-STARR-seq lymphoblastoid active region 3587; plus strand). Cytogenetic location: 10q22.2.
Variant type: single nucleotide variant.
Coding change: c.32G>A on transcript NM_014000.3 (MANE Select); coding-DNA position 32, G replaced by A.
Protein change: p.Ser11Asn; replaces serine 11 with asparagine.
Molecular consequence: missense variant.
Genome position (GRCh38, 1-based): chr10:73,998,239, G>A. VCF-style: chr10-73998239-G-A. GRCh37 (hg19) VCF-style: chr10-75757997-G-A.
Other names: c.32G>A, p.Ser11Asn (NM_003373.4); short protein forms S11N.
Identifiers: ClinVar variation 536703 (VCV000536703.10), dbSNP rs777811020, ClinGen allele CA5562696.

ClinVar aggregate classification (germline): Uncertain significance. Review status: criteria provided, multiple submitters, no conflicts (2 of 4 stars). 3 submissions from 3 submitters: Uncertain significance (3). Last evaluated 2025-03-12.

Conditions:
Cardiovascular phenotype. Identifiers: MedGen CN230736.
Dilated cardiomyopathy 1W (CMD1W). Identifiers: Orphanet 154, MedGen C1969639, MONDO:0012667, OMIM 611407.

Allele frequency attached by ClinVar (database versions not stated): TOPMed 0.00002; ExAC 0.00008; gnomAD exomes 0.00004 and 0.00001.
gnomAD v4.1: 8 of 1,612,924 alleles (0.0005%); highest among the groups gnomAD compares: East Asian, 0.013%; no homozygotes.

Submissions (3):

Labcorp Genetics (formerly Invitae), Labcorp
Classification: Uncertain significance for Dilated cardiomyopathy 1W. Last evaluated: 2025-03-12. Review status: criteria provided, single submitter. Criteria: Invitae Variant Classification Sherloc (09022015). Collection method: clinical testing. Allele origin: germline.
Comment: This sequence change replaces serine, which is neutral and polar, with asparagine, which is neutral and polar, at codon 11 of the VCL protein (p.Ser11Asn). This variant is present in population databases (rs777811020, gnomAD 0.06%). This missense change has been observed in individual(s) with clinical features of VCL-related conditions (internal data). ClinVar contains an entry for this variant (Variation ID: 536703). An algorithm developed to predict the effect of missense changes on protein structure and function (PolyPhen-2) suggests that this variant is likely to be disruptive. In summary, the available evidence is currently insufficient to determine the role of this variant in disease. Therefore, it has been classified as a Variant of Uncertain Significance.

Ambry Genetics
Classification: Uncertain significance for Cardiovascular phenotype. Last evaluated: 2022-11-07. Review status: criteria provided, single submitter. Criteria: Ambry Variant Classification Scheme 2023. Collection method: clinical testing. Allele origin: germline.
Comment: The p.S11N variant (also known as c.32G>A), located in coding exon 1 of the VCL gene, results from a G to A substitution at nucleotide position 32. The serine at codon 11 is replaced by asparagine, an amino acid with highly similar properties. This amino acid position is conserved. In addition, this alteration is predicted to be tolerated by in silico analysis. Since supporting evidence is limited at this time, the clinical significance of this alteration remains unclear.

Stanford Center for Inherited Cardiovascular Disease, Stanford University
Classification: Uncertain significance. Last evaluated: 2017-10-04. Review status: criteria provided, single submitter. Criteria: ACMG Guidelines, 2015. Collection method: provider interpretation. Allele origin: germline.